The following is an entry in ClinVar:

ClinVar aggregate classification (germline): Uncertain significance (1 of 4 stars; one submission).

Conditions:
Parathyroid carcinoma (PRTC). Also called: Parathyroid gland carcinoma; CDC73-Related Parathyroid Carcinoma. Identifiers: Orphanet 143, MedGen C0687150, MONDO:0012004, OMIM 608266, HP:0006780.

Submission:

Labcorp Genetics (formerly Invitae), Labcorp
Classification: Uncertain significance for Parathyroid carcinoma. Last evaluated: 2023-08-01. Review status: criteria provided, single submitter. Criteria: Invitae Variant Classification Sherloc (09022015). Collection method: clinical testing. Allele origin: germline.
Comment: This variant has not been reported in the literature in individuals affected with CDC73-related conditions. This variant is not present in population databases (gnomAD no frequency). This sequence change replaces isoleucine, which is neutral and non-polar, with leucine, which is neutral and non-polar, at codon 372 of the CDC73 protein (p.Ile372Leu). In summary, the available evidence is currently insufficient to determine the role of this variant in disease. Therefore, it has been classified as a Variant of Uncertain Significance. Advanced modeling of protein sequence and biophysical properties (such as structural, functional, and spatial information, amino acid conservation, physicochemical variation, residue mobility, and thermodynamic stability) performed at Invitae indicates that this missense variant is not expected to disrupt CDC73 protein function.

NM_024529.5(CDC73):c.1114A>C (p.Ile372Leu)

Gene: CDC73 (cell division cycle 73; plus strand). Cytogenetic location: 1q31.2.
Variant type: single nucleotide variant.
Coding change: c.1114A>C on transcript NM_024529.5 (MANE Select); coding-DNA position 1114, A replaced by C.
Protein change: p.Ile372Leu; replaces isoleucine 372 with leucine.
Molecular consequence: missense variant.
Genome position (GRCh38, 1-based): chr1:193,212,437, A>C. VCF-style: chr1-193212437-A-C. GRCh37 (hg19) VCF-style: chr1-193181567-A-C.
Other names: short protein forms I372L.
Identifiers: ClinVar variation 2748944 (VCV002748944.3), dbSNP rs2527456744, ClinGen allele CA344077603.